The following is an entry in ClinVar:

ClinVar aggregate classification (germline): Uncertain significance (1 of 4 stars; one submission).

Allele frequency attached by ClinVar (database versions not stated): ExAC 0.00002.

Submission:

GeneDx
Classification: Uncertain significance. Last evaluated: 2020-12-01. Review status: criteria provided, single submitter. Criteria: GeneDx Variant Classification Process June 2021. Collection method: clinical testing. Allele origin: germline. Affected: yes.
Comment: In silico analysis supports that this missense variant has a deleterious effect on protein structure/function; Has not been previously published as pathogenic or benign to our knowledge

NM_022552.5(DNMT3A):c.2104G>A (p.Asp702Asn)

Gene: DNMT3A (DNA methyltransferase 3 alpha; minus strand). Cytogenetic location: 2p23.3.
Variant type: single nucleotide variant.
Coding change: c.2104G>A on transcript NM_022552.5 (MANE Select); coding-DNA position 2104, G replaced by A.
Protein change: p.Asp702Asn; replaces aspartic acid 702 with asparagine.
Molecular consequence: missense variant. On other transcripts: non-coding transcript variant (1).
Genome position (GRCh38, 1-based): chr2:25,240,709, C>T on the plus strand (G>A on the coding strand, the complement: DNMT3A is on the minus strand). VCF-style: chr2-25240709-C-T. GRCh37 (hg19) VCF-style: chr2-25463578-C-T.
Other names: c.1648G>A, p.Asp550Asn (NM_001320893.1); c.1435G>A, p.Asp479Asn (NM_001375819.1); c.1537G>A, p.Asp513Asn (NM_153759.3); c.2104G>A, p.Asp702Asn (NM_175629.2); short protein forms D479N, D513N, D550N, D702N.
Identifiers: ClinVar variation 1321017 (VCV001321017.2), dbSNP rs770938712, ClinGen allele CA1555746.